The following is an entry in ClinVar:

NM_052989.3(IFT122):c.3554G>A (p.Arg1185Gln)

Gene: IFT122 (intraflagellar transport 122; plus strand). Cytogenetic location: 3q22.1.
Variant type: single nucleotide variant.
Coding change: c.3554G>A on transcript NM_052989.3 (MANE Select); coding-DNA position 3554, G replaced by A.
Protein change: p.Arg1185Gln; replaces arginine 1185 with glutamine.
Molecular consequence: missense variant.
Genome position (GRCh38, 1-based): chr3:129,519,650, G>A. VCF-style: chr3-129519650-G-A. GRCh37 (hg19) VCF-style: chr3-129238493-G-A.
Other names: c.3533G>A, p.Arg1178Gln (NM_001280541.2); c.3104G>A, p.Arg1035Gln (NM_001280545.2); c.2927G>A, p.Arg976Gln (NM_001280546.2); c.3377G>A, p.Arg1126Gln (NM_018262.4); c.3707G>A, p.Arg1236Gln (NM_052985.4); c.3224G>A, p.Arg1075Gln (NM_052990.3); short protein forms R1126Q, R1178Q, R1236Q, R1035Q, R1075Q, R1185Q, R976Q.
Identifiers: ClinVar variation 1414883 (VCV001414883.6), dbSNP rs754808589, ClinGen allele CA2606964.

ClinVar aggregate classification (germline): Uncertain significance (1 of 4 stars; one submission).

Conditions:
Cranioectodermal dysplasia 1 (CED1). Also called: LEVIN SYNDROME I. Identifiers: Orphanet 1515, MedGen C0432235, MONDO:0021093, OMIM 218330.

Allele frequency attached by ClinVar (database versions not stated): ExAC 0.00001; gnomAD exomes 0.00001; gnomAD 0.00002 and 0.00003; TOPMed 0.00003.
gnomAD v4.1: 12 of 1,613,526 alleles (0.00074%); highest among the groups gnomAD compares: East Asian, 0.0045%; no homozygotes.

Submission:

Labcorp Genetics (formerly Invitae), Labcorp
Classification: Uncertain significance for Cranioectodermal dysplasia 1. Last evaluated: 2021-12-08. Review status: criteria provided, single submitter. Criteria: Invitae Variant Classification Sherloc (09022015). Collection method: clinical testing. Allele origin: germline.
Comment: This sequence change replaces arginine, which is basic and polar, with glutamine, which is neutral and polar, at codon 1236 of the IFT122 protein (p.Arg1236Gln). The frequency data for this variant in the population databases is considered unreliable, as metrics indicate poor data quality at this position in the gnomAD database. This variant has not been reported in the literature in individuals affected with IFT122-related conditions. Algorithms developed to predict the effect of missense changes on protein structure and function are either unavailable or do not agree on the potential impact of this missense change (SIFT: "Tolerated"; PolyPhen-2: "Possibly Damaging"; Align-GVGD: "Class C0"). In summary, the available evidence is currently insufficient to determine the role of this variant in disease. Therefore, it has been classified as a Variant of Uncertain Significance.